The following is an entry in ClinVar:

ClinVar aggregate classification (germline): Likely benign (0 of 4 stars; one submission).

Conditions:
TNFRSF13C-related disorder. Also called: TNFRSF13C-related condition.

Allele frequency attached by ClinVar (database versions not stated): 1000 Genomes Project 30x 0.00016.

Submission:

PreventionGenetics, part of Exact Sciences
Classification: Likely benign for TNFRSF13C-related condition. Last evaluated: 2019-05-08. Review status: no assertion criteria provided. Collection method: clinical testing. Allele origin: germline.
Comment: This variant is classified as likely benign based on ACMG/AMP sequence variant interpretation guidelines (Richards et al. 2015 PMID: 25741868, with internal and published modifications).

NM_052945.4(TNFRSF13C):c.*10G>C

Gene: TNFRSF13C (TNF receptor superfamily member 13C; minus strand). Cytogenetic location: 22q13.2.
Variant type: single nucleotide variant.
Coding change: c.*10G>C on transcript NM_052945.4 (MANE Select); 10 bases downstream of the stop codon, G replaced by C.
Molecular consequence: 3 prime UTR variant.
Genome position (GRCh38, 1-based): chr22:41,925,357, C>G on the plus strand (G>C on the coding strand, the complement: TNFRSF13C is on the minus strand). VCF-style: chr22-41925357-C-G. GRCh37 (hg19) VCF-style: chr22-42321361-C-G.
Identifiers: ClinVar variation 3042050 (VCV003042050.2), dbSNP rs375349302, ClinGen allele CA10262407.